The following is an entry in ClinVar:

ClinVar aggregate classification (germline): Uncertain significance (1 of 4 stars; one submission).

Conditions:
SLC35A2-congenital disorder of glycosylation. Also called: CONGENITAL DISORDER OF GLYCOSYLATION, TYPE IIm; CDG IIm; CONGENITAL DISORDER OF GLYCOSYLATION, TYPE IIm, SOMATIC MOSAIC; DEVELOPMENTAL AND EPILEPTIC ENCEPHALOPATHY 22; SLC35A2-CDG; EPILEPTIC ENCEPHALOPATHY, EARLY INFANTILE, 22. Identifiers: Orphanet 356961, MedGen C3806688, MONDO:0010478, OMIM 300896.

Submission:

Laboratorio de Genetica e Diagnostico Molecular, Hospital Israelita Albert Einstein
Classification: Uncertain significance for SLC35A2-congenital disorder of glycosylation. Last evaluated: 2023-10-06. Review status: criteria provided, single submitter. Criteria: ACMG Guidelines, 2015. Collection method: clinical testing. Allele origin: germline. Affected: yes.
Comment: ACMG classification criteria: PM2 moderate, BP4 supporting

NM_005660.3(SLC35A2):c.160A>G (p.Ile54Val)

Gene: SLC35A2 (solute carrier family 35 member A2; minus strand). Cytogenetic location: Xp11.23.
Variant type: single nucleotide variant.
Coding change: c.160A>G on transcript NM_005660.3 (MANE Select); coding-DNA position 160, A replaced by G.
Protein change: p.Ile54Val; replaces isoleucine 54 with valine.
Molecular consequence: missense variant. On other transcripts: intron variant (1).
Genome position (GRCh38, 1-based): chrX:48,909,928, T>C on the plus strand (A>G on the coding strand, the complement: SLC35A2 is on the minus strand). VCF-style: chrX-48909928-T-C. GRCh37 (hg19) VCF-style: chrX-48767205-T-C.
Other names: c.160A>G, p.Ile54Val (NM_001032289.3, NM_001042498.3, NM_001282647.2); c.88A>G, p.Ile30Val (NM_001282648.2); c.199A>G, p.Ile67Val (NM_001282650.2); c.244A>G, p.Ile82Val (NM_001282651.2); c.91+1618A>G (NM_001282649.2); short protein forms I30V, I54V, I67V, I82V.
Identifiers: ClinVar variation 4076176 (VCV004076176.1).
Genomic context (GRCh38, chrX:48,909,928, plus strand): 5'-CCATGACCACAGCAGTGGTGGCAAAGAAGCGGTCCCCTGGCAACGTGCGGGCGTAGCGGA[T>C]GCTGAGGATGAGGGAGGCATTCTGGACCACCAGCACAGCTAGGGATATGTACTTCAGGCG-3'
Protein context (NP_005651.1, residues 44-64): VVQNASLILS[Ile54Val]RYARTLPGDR